The following is an entry in ClinVar:

NC_000001.11:g.148263588C>T

Gene: RNVU1-22 (RNA, variant U1 small nuclear 22; plus strand). Cytogenetic location: 1q21.2.
Variant type: single nucleotide variant.
Genome position: GRCh38 VCF-style: chr1-148263588-C-T. GRCh37 (hg19) VCF-style: chr1-147735863-C-T.
Identifiers: ClinVar variation 3362389 (VCV003362389.2).

ClinVar aggregate classification (germline): Uncertain significance. Review status: criteria provided, multiple submitters, no conflicts (2 of 4 stars). 2 submissions from 2 submitters: Uncertain significance (2). Last evaluated 2024-10-09.

Conditions:
RNVU1-22-associated neurodevelopmental disorder.

Submissions (2):

Institute of Human Genetics, University of Leipzig Medical Center
Classification: Uncertain significance for RNVU1-22-associated neurodevelopmental disorder. Last evaluated: 2024-10-09. Review status: criteria provided, single submitter. Criteria: ACMG Guidelines, 2015. Collection method: literature only. Allele origin: de novo. Inheritance: Autosomal dominant inheritance. Affected: yes. Observed: 1 variant allele.
Comment: This variant was identified as de novo

Institute for Human Genetics, University Hospital Essen
Classification: Uncertain significance. Last evaluated: 2005-03-05. Review status: criteria provided, single submitter. Criteria: ACMG Guidelines, 2015. Collection method: clinical testing. Allele origin: de novo. Affected: yes.
Comment: PM2_supp, PS2

Literature cited by the submitters: DOI 10.1101/2024.10.07.24314689 (cited by Institute of Human Genetics, University of Leipzig Medical Center).